The following is an entry in ClinVar:

NM_001035.3(RYR2):c.4856T>C (p.Val1619Ala)

Gene: RYR2 (ryanodine receptor 2; plus strand). Cytogenetic location: 1q43.
Variant type: single nucleotide variant.
Coding change: c.4856T>C on transcript NM_001035.3 (MANE Select); coding-DNA position 4856, T replaced by C.
Protein change: p.Val1619Ala; replaces valine 1619 with alanine.
Molecular consequence: missense variant.
Genome position (GRCh38, 1-based): chr1:237,610,934, T>C. VCF-style: chr1-237610934-T-C. GRCh37 (hg19) VCF-style: chr1-237774234-T-C.
Other names: c.4856T>C (NM_001035.2); short protein forms V1619A.
Identifiers: ClinVar variation 1171884 (VCV001171884.6), dbSNP rs1559110709, ClinGen allele CA345402775.

ClinVar aggregate classification (germline): Uncertain significance. Review status: criteria provided, multiple submitters, no conflicts (2 of 4 stars). 2 submissions from 2 submitters: Uncertain significance (2). Last evaluated 2025-08-27.

Conditions:
Cardiovascular phenotype. Identifiers: MedGen CN230736.
Cardiomyopathy (CMYO). Also called: Cardiomyopathies. Identifiers: Orphanet 167848, MedGen C0878544, MONDO:0004994, HP:0001638. Inheritance: Various modes of inheritance.

Allele frequency attached by ClinVar (database versions not stated): gnomAD exomes below 0.00001.
gnomAD v4.1: 1 of 1,613,596 alleles (0.000062%); highest among the groups gnomAD compares: Non-Finnish European, 0.000085%; no homozygotes.

Submissions (2):

Color Diagnostics, LLC DBA Color Health
Classification: Uncertain significance for Cardiomyopathy. Last evaluated: 2025-08-27. Review status: criteria provided, single submitter. Criteria: ACMG Guidelines, 2015. Collection method: clinical testing. Allele origin: germline.
Comment: This missense variant replaces valine with alanine at codon 1619 of the RYR2 protein. Computational prediction is inconclusive regarding the impact of this variant on protein structure and function. To our knowledge, functional studies have not been reported for this variant. This variant has not been reported in individuals affected with cardiovascular disorders in the literature. This variant has been identified in 1/248418 chromosomes in the general population by the Genome Aggregation Database (gnomAD). The available evidence is insufficient to determine the role of this variant in disease conclusively. Therefore, this variant is classified as a Variant of Uncertain Significance.

Ambry Genetics
Classification: Uncertain significance for Cardiovascular phenotype. Last evaluated: 2024-10-11. Review status: criteria provided, single submitter. Criteria: Ambry Variant Classification Scheme 2023. Collection method: clinical testing. Allele origin: germline.
Comment: The p.V1619A variant (also known as c.4856T>C), located in coding exon 36 of the RYR2 gene, results from a T to C substitution at nucleotide position 4856. The valine at codon 1619 is replaced by alanine, an amino acid with similar properties. This amino acid position is well conserved in available vertebrate species. In addition, the in silico prediction for this alteration is inconclusive. Based on the available evidence, the clinical significance of this variant remains unclear.